The following is an entry in ClinVar:

ClinVar aggregate classification (germline): Likely benign. Review status: criteria provided, multiple submitters, no conflicts (2 of 4 stars). 2 submissions from 2 submitters: Likely benign (2). Last evaluated 2025-09-26.

Conditions:
Charcot-Marie-Tooth disease axonal type 2O. Also called: CHARCOT-MARIE-TOOTH NEUROPATHY, AXONAL, TYPE 2O; CHARCOT-MARIE-TOOTH DISEASE, AXONAL, AUTOSOMAL DOMINANT, TYPE 2O; Charcot-Marie-Tooth Neuropathy Type 2O; Charcot-Marie-Tooth disease, axonal, type 20. Identifiers: Orphanet 284232, MedGen C3280220, MONDO:0013644, OMIM 614228.
DYNC1H1-related disorder. Also called: DYNC1H1-related disorders; DYNC1H1-related condition. Identifiers: MedGen CN381529.

Allele frequency attached by ClinVar (database versions not stated): TOPMed 0.00002; gnomAD exomes 0.00004; ExAC 0.00005.
gnomAD v4.1: 14 of 1,614,218 alleles (0.00087%); highest among the groups gnomAD compares: Admixed American, 0.017%; no homozygotes.

Submissions (2):

PreventionGenetics, part of Exact Sciences
Classification: Likely benign for DYNC1H1-related condition. Last evaluated: 2025-09-26. Review status: criteria provided, single submitter. Criteria: ACMG Guidelines, 2015. Collection method: clinical testing. Allele origin: germline.
Comment: This variant is classified as likely benign based on ACMG/AMP sequence variant interpretation guidelines (Richards et al. 2015 PMID: 25741868, with internal and published modifications).

Labcorp Genetics (formerly Invitae), Labcorp
Classification: Likely benign for Charcot-Marie-Tooth disease axonal type 2O. Last evaluated: 2025-07-23. Review status: criteria provided, single submitter. Criteria: Invitae Variant Classification Sherloc (09022015). Collection method: clinical testing. Allele origin: germline.

NM_001376.5(DYNC1H1):c.7272A>G (p.Gln2424=)

Gene: DYNC1H1 (dynein cytoplasmic 1 heavy chain 1; plus strand). Cytogenetic location: 14q32.31.
Variant type: single nucleotide variant.
Coding change: c.7272A>G on transcript NM_001376.5 (MANE Select); coding-DNA position 7272, A replaced by G.
Protein change: p.Gln2424=; no amino-acid change (glutamine 2424 retained).
Molecular consequence: synonymous variant.
Genome position (GRCh38, 1-based): chr14:102,015,885, A>G. VCF-style: chr14-102015885-A-G. GRCh37 (hg19) VCF-style: chr14-102482222-A-G.
Other names: c.7272A>G (NM_001376.4).
Identifiers: ClinVar variation 1043864 (VCV001043864.11), dbSNP rs749295312, ClinGen allele CA7352785.
Genomic context (GRCh38, chr14:102,015,885, plus strand): 5'-ATAGTTAAGTATCACTCCTTCCACTTTCTAGATCCAAAGAGATGCAGCTACGATCATGCA[A>G]CCGTACTTCACGTCCAACGGCCTGGTCACCAAGGCGCTAGAGCACGCCTTCCAGCTGGAG-3'
Protein context (NP_001367.2, residues 2414-2434): QIQRDAATIM[Gln2424=]PYFTSNGLVT